The following is an entry in ClinVar:

NM_000551.4(VHL):c.330C>T (p.His110=)

Gene: VHL (von Hippel-Lindau tumor suppressor; plus strand). Cytogenetic location: 3p25.3.
Variant type: single nucleotide variant.
Coding change: c.330C>T on transcript NM_000551.4 (MANE Select); coding-DNA position 330, C replaced by T.
Protein change: p.His110=; no amino-acid change (histidine 110 retained).
Molecular consequence: synonymous variant. On other transcripts: non-coding transcript variant (1).
Genome position (GRCh38, 1-based): chr3:10,142,177, C>T. VCF-style: chr3-10142177-C-T. GRCh37 (hg19) VCF-style: chr3-10183861-C-T.
Other names: c.330C>T, p.His110= (NM_001354723.2, NM_198156.3).
Identifiers: ClinVar variation 2026065 (VCV002026065.7), dbSNP rs1696140667, ClinGen allele CA432420644.
Genomic context (GRCh38, chr3:10,142,177, plus strand): 5'-CTTCGACGGCGAGCCGCAGCCCTACCCAACGCTGCCGCCTGGCACGGGCCGCCGCATCCA[C>T]AGCTACCGAGGTACGGGCCCGGCGCTTAGGCCCGACCCAGCAGGGACGATAGCACGGTCT-3'
Protein context (NP_000542.1, residues 100-120): TLPPGTGRRI[His110=]SYRGHLWLFR

ClinVar aggregate classification (germline): Benign/Likely benign. Review status: criteria provided, multiple submitters, no conflicts (2 of 4 stars). 4 submissions from 4 submitters: Benign (1); Likely benign (3). Last evaluated 2025-06-11.

Conditions:
Hereditary cancer-predisposing syndrome. Also called: Neoplastic Syndromes, Hereditary; Hereditary Cancer Syndrome; Tumor predisposition; Hereditary neoplastic syndrome. Identifiers: Orphanet 140162, MedGen C0027672, MeSH D009386, MONDO:0015356.
Chuvash polycythemia. Also called: POLYCYTHEMIA, VHL-DEPENDENT. Identifiers: Orphanet 238557, MedGen C1837915, MONDO:0009892, OMIM 263400.
Von Hippel-Lindau syndrome (VHLS). Also called: Von Hippel-Lindau; von Hippel–Lindau syndrome; VHL syndrome. Identifiers: Orphanet 892, MedGen C0019562, MONDO:0008667, OMIM 193300. Disease mechanism: loss of function.

Submissions (4):

Myriad Genetics, Inc.
Classification: Benign for Von Hippel-Lindau syndrome. Last evaluated: 2025-06-11. Review status: criteria provided, single submitter. Criteria: Myriad Autosomal Dominant, Autosomal Recessive and X-Linked Classification Criteria (2023). Collection method: clinical testing. Allele origin: unknown.
Comment: This variant is considered benign. This variant is a silent/synonymous amino acid change and it is not expected to impact splicing.

Ambry Genetics
Classification: Likely benign for Hereditary cancer-predisposing syndrome. Last evaluated: 2024-10-29. Review status: criteria provided, single submitter. Criteria: Ambry Variant Classification Scheme 2023. Collection method: clinical testing. Allele origin: germline.

All of Us Research Program, National Institutes of Health
Classification: Likely benign for Von Hippel-Lindau syndrome. Last evaluated: 2024-07-10. Review status: criteria provided, single submitter. Criteria: ACMG Guidelines, 2015. Collection method: clinical testing. Allele origin: germline. Inheritance: Autosomal dominant inheritance. Observed: 1 variant allele, 1 heterozygote.
Comment: This study involves interpretation of variants in research participants for the purpose of population health screening. Participant phenotype was not available at the time of variant classification. Additional details can be found in publication PMID: 35346344, PMCID: PMC8962531

Labcorp Genetics (formerly Invitae), Labcorp
Classification: Likely benign for Von Hippel-Lindau syndrome; Chuvash polycythemia. Last evaluated: 2024-05-06. Review status: criteria provided, single submitter. Criteria: Invitae Variant Classification Sherloc (09022015). Collection method: clinical testing. Allele origin: germline.